The following is an entry in ClinVar:

ClinVar aggregate classification (germline): Likely benign (1 of 4 stars; one submission).

Conditions:
ATP2B1-related disorder. Also called: ATP2B1-related condition.

gnomAD v4.1: 4 of 1,504,904 alleles (0.00027%); highest among the groups gnomAD compares: African/African-American, 0.0014%; no homozygotes.

Submission:

PreventionGenetics, part of Exact Sciences
Classification: Likely benign for ATP2B1-related condition. Last evaluated: 2025-07-12. Review status: criteria provided, single submitter. Criteria: ACMG Guidelines, 2015. Collection method: clinical testing. Allele origin: germline.
Comment: This variant is classified as likely benign based on ACMG/AMP sequence variant interpretation guidelines (Richards et al. 2015 PMID: 25741868, with internal and published modifications).

NM_001366521.1(ATP2B1):c.2070G>A (p.Val690=)

Gene: ATP2B1 (ATPase plasma membrane Ca2+ transporting 1; minus strand). Cytogenetic location: 12q21.33.
Variant type: single nucleotide variant.
Coding change: c.2070G>A on transcript NM_001366521.1 (MANE Select); coding-DNA position 2070, G replaced by A.
Protein change: p.Val690=; no amino-acid change (valine 690 retained).
Molecular consequence: synonymous variant. On other transcripts: non-coding transcript variant (3).
Genome position (GRCh38, 1-based): chr12:89,611,370, C>T on the plus strand (G>A on the coding strand, the complement: ATP2B1 is on the minus strand). VCF-style: chr12-89611370-C-T. GRCh37 (hg19) VCF-style: chr12-90005147-C-T.
Other names: c.2070G>A, p.Val690= (NM_001001323.2, NM_001366520.1, NM_001366522.1 and 12 more transcripts); c.1872G>A, p.Val624= (NM_001366530.1, NM_001413053.1); c.1509G>A, p.Val503= (NM_001366531.1, NM_001366532.1, NM_001413058.1 and 2 more transcripts); c.2031G>A, p.Val677= (NM_001413048.1); c.1929G>A, p.Val643= (NM_001413051.1, NM_001413052.1, NM_001413055.1); c.1827G>A, p.Val609= (NM_001413054.1); c.1815G>A, p.Val605= (NM_001413056.1); c.1617G>A, p.Val539= (NM_001413057.1).
Identifiers: ClinVar variation 4985679 (VCV004985679.1).